The following is an entry in ClinVar:

NM_007194.4(CHEK2):c.533del (p.Gly178fs)

Gene: CHEK2 (checkpoint kinase 2; minus strand). Cytogenetic location: 22q12.1.
Variant type: Deletion.
Coding change: c.533del on transcript NM_007194.4 (MANE Select); coding-DNA position 533, one base deleted (G; older notation c.533delG).
Protein change: p.Gly178fs; shifts the reading frame from glycine 178.
Molecular consequence: frameshift variant. On other transcripts: 5 prime UTR variant (2), intron variant (1).
Genome position (GRCh38, 1-based): chr22:28,725,036, C deleted on the plus strand (G on the coding strand, the reverse complement: CHEK2 is on the minus strand); the first of 2 consecutive C bases (chr22:28,725,036-28,725,037); deleting either gives the same sequence. VCF-style (leftmost placement, unchanged base first): chr22-28725035-TC-T. GRCh37 (hg19) VCF-style: chr22-29121023-TC-T.
Other names: c.662del, p.Gly221fs (NM_001005735.3, NM_001438294.1); c.-245del (NM_001257387.3); c.-131del (NM_001437942.1); c.626del, p.Gly209fs (NM_001438293.1, NM_001438295.1); c.533del, p.Gly178fs (NM_145862.3); c.445-113del (NM_001349956.3); short protein forms G178fs, G221fs, G209fs.
Identifiers: ClinVar variation 2583306 (VCV002583306.2), dbSNP rs2518052025, ClinGen allele CA2582342783.

ClinVar aggregate classification (germline): Pathogenic (1 of 4 stars; one submission).

Conditions:
Familial cancer of breast. Also called: Hereditary breast cancer; BREAST CANCER, FAMILIAL; hereditary breast carcinoma. Identifiers: Orphanet 227535, MedGen C0346153, MONDO:0016419, OMIM 114480. Disease mechanism: loss of function.

Submission:

Myriad Genetics, Inc.
Classification: Pathogenic for Familial cancer of breast. Last evaluated: 2023-06-26. Review status: criteria provided, single submitter. Criteria: Myriad Autosomal Dominant, Autosomal Recessive and X-Linked Classification Criteria (2023). Collection method: clinical testing. Allele origin: unknown.
Comment: This variant is considered pathogenic. This variant creates a frameshift predicted to result in premature protein truncation.